The following is an entry in ClinVar:

ClinVar aggregate classification (germline): Conflicting classifications of pathogenicity. Review status: criteria provided, conflicting classifications (1 of 4 stars). 3 submissions from 3 submitters: Uncertain significance (2); Likely benign (1). Last evaluated 2026-03-16.

Conditions:
Cardiovascular phenotype. Identifiers: MedGen CN230736.

Allele frequency attached by ClinVar (database versions not stated): gnomAD exomes 0.00001; ExAC 0.00002; TOPMed 0.00002; gnomAD 0.00003.

Submissions (3):

Women's Health and Genetics/Laboratory Corporation of America, LabCorp
Classification: Uncertain significance. Last evaluated: 2026-03-16. Review status: criteria provided, single submitter. Criteria: LabCorp Variant Classification Summary - May 2015. Collection method: clinical testing. Allele origin: germline.
Comment: Variant summary: TTN c.422G>A (p.Gly141Glu) results in a non-conservative amino acid change in the encoded protein sequence. Algorithms developed to predict the effect of missense changes on protein structure and function all suggest that this variant is likely to be disruptive. The variant allele was found at a frequency of 2.8e-05 in 251318 control chromosomes. The available data on variant occurrences in the general population are insufficient to allow any conclusion about variant significance. To our knowledge, no occurrence of c.422G>A in individuals affected with TTN-related conditions and no experimental evidence demonstrating its impact on protein function have been reported. ClinVar contains an entry for this variant (Variation ID: 1738889). Based on the evidence outlined above, the variant was classified as uncertain significance.

Ambry Genetics
Classification: Likely benign for Cardiovascular phenotype. Last evaluated: 2020-04-20. Review status: criteria provided, single submitter. Criteria: Ambry Variant Classification Scheme 2023. Collection method: clinical testing. Allele origin: germline.

Revvity Omics, Revvity
Classification: Uncertain significance. Last evaluated: 2020-02-04. Review status: criteria provided, single submitter. Criteria: ACMG Guidelines, 2015. Collection method: clinical testing. Allele origin: germline.

NM_001267550.2(TTN):c.422G>A (p.Gly141Glu)

Gene: TTN (titin; minus strand). Cytogenetic location: 2q31.2.
Variant type: single nucleotide variant.
Coding change: c.422G>A on transcript NM_001267550.2 (MANE Select); coding-DNA position 422, G replaced by A.
Protein change: p.Gly141Glu; replaces glycine 141 with glutamic acid.
Molecular consequence: missense variant.
Genome position (GRCh38, 1-based): chr2:178,800,556, C>T on the plus strand (G>A on the coding strand, the complement: TTN is on the minus strand). VCF-style: chr2-178800556-C-T. GRCh37 (hg19) VCF-style: chr2-179665283-C-T.
Other names: c.422G>A, p.Gly141Glu (NM_001256850.1, NM_003319.4, NM_133378.4 and 3 more transcripts); short protein forms G141E.
Identifiers: ClinVar variation 1738889 (VCV001738889.6), dbSNP rs750730828, ClinGen allele CA2006322.